The following is an entry in ClinVar:

NM_030973.4(MED25):c.1526G>A (p.Arg509His)

Gene: MED25 (mediator complex subunit 25; plus strand). Cytogenetic location: 19q13.33.
Variant type: single nucleotide variant.
Coding change: c.1526G>A on transcript NM_030973.4 (MANE Select); coding-DNA position 1526, G replaced by A.
Protein change: p.Arg509His; replaces arginine 509 with histidine.
Molecular consequence: missense variant.
Genome position (GRCh38, 1-based): chr19:49,835,029, G>A. VCF-style: chr19-49835029-G-A. GRCh37 (hg19) VCF-style: chr19-50338286-G-A.
Other names: c.1526G>A, p.Arg509His (NM_001378355.1); short protein forms R509H.
Identifiers: ClinVar variation 655098 (VCV000655098.8), dbSNP rs1156431468, ClinGen allele CA406917941.

ClinVar aggregate classification (germline): Uncertain significance (1 of 4 stars; one submission).

Conditions:
Charcot-Marie-Tooth disease type 2. Also called: Charcot-Marie-Tooth type 2. Identifiers: Orphanet 64746, MedGen C0270914, MONDO:0018993.

Allele frequency attached by ClinVar (database versions not stated): gnomAD exomes below 0.00001; TOPMed below 0.00001.
gnomAD v4.1: 5 of 1,614,100 alleles (0.00031%); highest among the groups gnomAD compares: Non-Finnish European, 0.00034%; no homozygotes.

Submission:

Labcorp Genetics (formerly Invitae), Labcorp
Classification: Uncertain significance for Charcot-Marie-Tooth disease type 2. Last evaluated: 2018-07-25. Review status: criteria provided, single submitter. Criteria: Invitae Variant Classification Sherloc (09022015). Collection method: clinical testing. Allele origin: germline.
Comment: Algorithms developed to predict the effect of missense changes on protein structure and function are either unavailable or do not agree on the potential impact of this missense change (SIFT: "Deleterious"; PolyPhen-2: "Probably Damaging"; Align-GVGD: "Class C0"). In summary, the available evidence is currently insufficient to determine the role of this variant in disease. Therefore, it has been classified as a Variant of Uncertain Significance. This variant has not been reported in the literature in individuals with MED25-related disease. This variant is not present in population databases (ExAC no frequency). This sequence change replaces arginine with histidine at codon 509 of the MED25 protein (p.Arg509His). The arginine residue is highly conserved and there is a small physicochemical difference between arginine and histidine.